The following is an entry in ClinVar:

ClinVar aggregate classification (germline): Uncertain significance (1 of 4 stars; one submission).

Allele frequency attached by ClinVar (database versions not stated): gnomAD 0.00001; TOPMed 0.00004.

Submission:

Labcorp Genetics (formerly Invitae), Labcorp
Classification: Uncertain significance. Last evaluated: 2022-04-10. Review status: criteria provided, single submitter. Criteria: Invitae Variant Classification Sherloc (09022015). Collection method: clinical testing. Allele origin: germline.
Comment: This sequence change replaces proline, which is neutral and non-polar, with serine, which is neutral and polar, at codon 226 of the OSGEP protein (p.Pro226Ser). This variant is present in population databases (no rsID available, gnomAD 0.01%). This variant has not been reported in the literature in individuals affected with OSGEP-related conditions. Algorithms developed to predict the effect of missense changes on protein structure and function (SIFT, PolyPhen-2, Align-GVGD) all suggest that this variant is likely to be tolerated. In summary, the available evidence is currently insufficient to determine the role of this variant in disease. Therefore, it has been classified as a Variant of Uncertain Significance.

NM_017807.4(OSGEP):c.676C>T (p.Pro226Ser)

Gene: OSGEP (O-sialoglycoprotein endopeptidase; minus strand). Cytogenetic location: 14q11.2.
Variant type: single nucleotide variant.
Coding change: c.676C>T on transcript NM_017807.4 (MANE Select); coding-DNA position 676, C replaced by T.
Protein change: p.Pro226Ser; replaces proline 226 with serine.
Molecular consequence: missense variant.
Genome position (GRCh38, 1-based): chr14:20,448,132, G>A on the plus strand (C>T on the coding strand, the complement: OSGEP is on the minus strand). VCF-style: chr14-20448132-G-A. GRCh37 (hg19) VCF-style: chr14-20916291-G-A.
Other names: short protein forms P226S.
Identifiers: ClinVar variation 2185240 (VCV002185240.4), dbSNP rs1458101109, ClinGen allele CA389119242.
Genomic context (GRCh38, chr14:20,448,132, plus strand): 5'-CCCAACTTTCTGTCCCAGTTTTTTACTGCATTACCTGCAGGGAGAAACACAGATCCTCAG[G>A]AGTACACTCGCCTGTGGCCAGCATCCGATGGGCTACATCCTACAATTAAAGGGAAAAACA-3'
Protein context (NP_060277.1, residues 216-236): HRMLATGECT[Pro226Ser]EDLCFSLQET